The following is an entry in ClinVar:

ClinVar aggregate classification (germline): Conflicting classifications of pathogenicity. Review status: criteria provided, conflicting classifications (1 of 4 stars). 9 submissions from 9 submitters: Uncertain significance (1); Benign (4); Likely benign (1). 3 of the submissions do not count toward it. Last evaluated 2026-09-01.

Conditions:
Zellweger spectrum disorders (ZS). Also called: Zellweger Spectrum Disorder; Zellweger Spectrum; Zellweger syndrome; Zellweger Spectrum Disorder (ZSD). Identifiers: Orphanet 912, MedGen C0043459, MONDO:0019609.
Peroxisome biogenesis disorder 1A (Zellweger) (PBD1A). Also called: Zellweger leukodystrophy; Peroxisome biogenesis disorder 1a. Identifiers: MedGen C4721541, MONDO:0008953, OMIM 214100.

Allele frequency attached by ClinVar (database versions not stated): 1000 Genomes Project 30x 0.00078; 1000 Genomes Project 0.00100; TOPMed 0.00196; gnomAD 0.00218 and 0.00220; ExAC 0.00220; gnomAD exomes 0.00222 and 0.00318; ESP Exome Variant Server 0.00231.

Submissions (9):

CeGaT Center for Human Genetics Tuebingen
Classification: Likely benign. Last evaluated: 2026-09-01. Review status: criteria provided, single submitter. Criteria: CeGaT Center For Human Genetics Tuebingen Variant Classification Criteria Version 2. Collection method: clinical testing. Allele origin: germline. Affected: yes. Observed: 14 variant alleles.
Comment: PEX1: BP4, BP7, BS2

Labcorp Genetics (formerly Invitae), Labcorp
Classification: Benign for Zellweger spectrum disorders. Last evaluated: 2026-02-01. Review status: criteria provided, single submitter. Criteria: Invitae Variant Classification Sherloc (09022015). Collection method: clinical testing. Allele origin: germline.

ARUP Laboratories, Molecular Genetics and Genomics, ARUP Laboratories
Classification: Benign. Last evaluated: 2024-05-01. Review status: criteria provided, single submitter. Criteria: ARUP Molecular Germline Variant Investigation Process 2024. Collection method: clinical testing. Allele origin: germline.

Mayo Clinic Laboratories, Mayo Clinic
Classification: Benign. Last evaluated: 2024-04-15. Review status: criteria provided, single submitter. Criteria: ACMG Guidelines, 2015. Collection method: clinical testing. Allele origin: germline. Observed: 7 variant alleles.
Comment: BS1, BS2

Illumina Laboratory Services, Illumina
Classification: Uncertain significance for Peroxisome biogenesis disorder 1A (Zellweger). Last evaluated: 2018-01-12. Review status: criteria provided, single submitter. Criteria: ICSL Variant Classification Criteria 13 December 2019. Collection method: clinical testing. Allele origin: germline.

Eurofins Ntd Llc (ga)
Classification: Benign. Last evaluated: 2013-03-11. Review status: criteria provided, single submitter. Criteria: EGL Classification Definitions 2015. Collection method: clinical testing. Allele origin: germline. Observed: 2 variant alleles, 2 heterozygotes.

Natera, Inc.
Classification: Likely benign for Zellweger syndrome. Last evaluated: 2017-05-10. Review status: no assertion criteria provided. Collection method: clinical testing. Allele origin: germline. Not counted in ClinVar's aggregate classification.

Clinical Genetics DNA and cytogenetics Diagnostics Lab, Erasmus MC, Erasmus Medical Center
Classification: Likely benign. Review status: no assertion criteria provided. Collection method: clinical testing. Allele origin: germline. Affected: yes. Study: VKGL Data-share Consensus. Not counted in ClinVar's aggregate classification.

Clinical Genetics, Academic Medical Center
Classification: Benign. Review status: no assertion criteria provided. Collection method: clinical testing. Allele origin: germline. Affected: yes. Study: VKGL Data-share Consensus. Not counted in ClinVar's aggregate classification.

NM_000466.3(PEX1):c.330C>G (p.Pro110=)

Gene: PEX1 (peroxisomal biogenesis factor 1; minus strand). Cytogenetic location: 7q21.2.
Variant type: single nucleotide variant.
Coding change: c.330C>G on transcript NM_000466.3 (MANE Select); coding-DNA position 330, C replaced by G.
Protein change: p.Pro110=; no amino-acid change (proline 110 retained).
Molecular consequence: synonymous variant. On other transcripts: 5 prime UTR variant (1).
Genome position (GRCh38, 1-based): chr7:92,519,022, G>C on the plus strand (C>G on the coding strand, the complement: PEX1 is on the minus strand). VCF-style: chr7-92519022-G-C. GRCh37 (hg19) VCF-style: chr7-92148336-G-C.
Other names: p.Pro110=; c.330C>G, p.Pro110= (NM_001282677.2); c.-330C>G (NM_001282678.2).
Identifiers: ClinVar variation 93111 (VCV000093111.63), dbSNP rs71560821, ClinGen allele CA146663.